The following is an entry in ClinVar:

NM_022455.5(NSD1):c.4275G>T (p.Lys1425Asn)

Gene: NSD1 (nuclear receptor binding SET domain protein 1; plus strand). Cytogenetic location: 5q35.3.
Variant type: single nucleotide variant.
Coding change: c.4275G>T on transcript NM_022455.5 (MANE Select); coding-DNA position 4275, G replaced by T.
Protein change: p.Lys1425Asn; replaces lysine 1425 with asparagine.
Molecular consequence: missense variant.
Genome position (GRCh38, 1-based): chr5:177,239,838, G>T. VCF-style: chr5-177239838-G-T. GRCh37 (hg19) VCF-style: chr5-176666839-G-T.
Other names: c.3402G>T, p.Lys1134Asn (NM_001365684.2, NM_001409306.1, NM_001409307.1 and 3 more transcripts); c.4275G>T, p.Lys1425Asn (NM_001409301.1, NM_001409302.1, NM_001409303.1); c.3855G>T, p.Lys1285Asn (NM_001409304.1); c.3522G>T, p.Lys1174Asn (NM_001409305.1); short protein forms K1134N, K1174N, K1425N, K1285N.
Identifiers: ClinVar variation 3681159 (VCV003681159.2).

ClinVar aggregate classification (germline): Uncertain significance (1 of 4 stars; one submission).

Submission:

Labcorp Genetics (formerly Invitae), Labcorp
Classification: Uncertain significance. Last evaluated: 2024-11-04. Review status: criteria provided, single submitter. Criteria: Invitae Variant Classification Sherloc (09022015). Collection method: clinical testing. Allele origin: germline.
Comment: This sequence change replaces lysine, which is basic and polar, with asparagine, which is neutral and polar, at codon 1425 of the NSD1 protein (p.Lys1425Asn). This variant is not present in population databases (gnomAD no frequency). This variant has not been reported in the literature in individuals affected with NSD1-related conditions. Invitae Evidence Modeling of protein sequence and biophysical properties (such as structural, functional, and spatial information, amino acid conservation, physicochemical variation, residue mobility, and thermodynamic stability) indicates that this missense variant is not expected to disrupt NSD1 protein function with a negative predictive value of 95%. In summary, the available evidence is currently insufficient to determine the role of this variant in disease. Therefore, it has been classified as a Variant of Uncertain Significance.